The following is an entry in ClinVar:

ClinVar aggregate classification (germline): Uncertain significance (1 of 4 stars; one submission).

Submission:

Ambry Genetics
Classification: Uncertain significance. Last evaluated: 2026-06-02. Review status: criteria provided, single submitter. Criteria: Ambry Variant Classification Scheme 2023. Collection method: clinical testing. Allele origin: germline.
Comment: The p.Y691C variant (also known as c.2072A>G), located in coding exon 1 of the MLH3 gene, results from an A to G substitution at nucleotide position 2072. The tyrosine at codon 691 is replaced by cysteine, an amino acid with highly dissimilar properties. This amino acid position is conserved. In addition, this alteration is predicted to be tolerated by in silico analysis. Based on the available evidence, the clinical significance of this variant remains unclear.

NM_001040108.2(MLH3):c.2072A>G (p.Tyr691Cys)

Gene: MLH3 (mutL homolog 3; minus strand). Cytogenetic location: 14q24.3.
Variant type: single nucleotide variant.
Coding change: c.2072A>G on transcript NM_001040108.2 (MANE Select); coding-DNA position 2072, A replaced by G.
Protein change: p.Tyr691Cys; replaces tyrosine 691 with cysteine.
Molecular consequence: missense variant.
Genome position (GRCh38, 1-based): chr14:75,047,584, T>C on the plus strand (A>G on the coding strand, the complement: MLH3 is on the minus strand). VCF-style: chr14-75047584-T-C. GRCh37 (hg19) VCF-style: chr14-75514287-T-C.
Other names: c.2072A>G, p.Tyr691Cys (NM_014381.3); short protein forms Y691C.
Identifiers: ClinVar variation 4860227 (VCV004860227.1).